The following is an entry in ClinVar:

NM_020975.6(RET):c.2045C>T (p.Ala682Val)

Gene: RET (ret proto-oncogene; plus strand). Cytogenetic location: 10q11.21.
Variant type: single nucleotide variant.
Coding change: c.2045C>T on transcript NM_020975.6 (MANE Select); coding-DNA position 2045, C replaced by T.
Protein change: p.Ala682Val; replaces alanine 682 with valine.
Molecular consequence: missense variant.
Genome position (GRCh38, 1-based): chr10:43,114,645, C>T. VCF-style: chr10-43114645-C-T. GRCh37 (hg19) VCF-style: chr10-43610093-C-T.
Other names: c.2045C>T, p.Ala682Val (NM_000323.2, NM_001406743.1, NM_001406744.1 and 4 more transcripts); c.1283C>T, p.Ala428Val (NM_001355216.2); c.1916C>T, p.Ala639Val (NM_001406761.1, NM_001406762.1, NM_001406764.1); c.1910C>T, p.Ala637Val (NM_001406763.1, NM_001406765.1); c.1757C>T, p.Ala586Val (NM_001406766.1, NM_001406767.1, NM_001406770.1); c.1781C>T, p.Ala594Val (NM_001406768.1); c.1649C>T, p.Ala550Val (NM_001406769.1, NM_001406772.1); c.1607C>T, p.Ala536Val (NM_001406771.1, NM_001406773.1); and 10 more; short protein forms A682V, A428V, A586V, A594V, A199V, A287V, A340V, A343V.
Identifiers: ClinVar variation 1402201 (VCV001402201.10), dbSNP rs1283566936, ClinGen allele CA376553202.
Genomic context (GRCh38, chr10:43,114,645, plus strand): 5'-AGTTTGCCCACAAGCCACCCATCTCCTCAGCTGAGATGACCTTCCGGAGGCCCGCCCAGG[C>T]CTTCCCGGTCAGCTACTCCTCTTCCGGTGCCCGCCGGCCCTCGCTGGACTCCATGGAGAA-3'
Protein context (NP_066124.1, residues 672-692): AEMTFRRPAQ[Ala682Val]FPVSYSSSGA

ClinVar aggregate classification (germline): Uncertain significance. Review status: criteria provided, multiple submitters, no conflicts (2 of 4 stars). 2 submissions from 2 submitters: Uncertain significance (2). Last evaluated 2025-07-17.

Conditions:
Multiple endocrine neoplasia, type 2 (MEN2). Identifiers: Orphanet 653, MedGen C4048306, MONDO:0019003. Disease mechanism: gain of function.

Allele frequency attached by ClinVar (database versions not stated): gnomAD exomes below 0.00001.
gnomAD v4.1: 1 of 1,613,058 alleles (0.000062%); highest among the groups gnomAD compares: African/African-American, 0.0013%; no homozygotes.

Submissions (2):

Labcorp Genetics (formerly Invitae), Labcorp
Classification: Uncertain significance for Multiple endocrine neoplasia, type 2. Last evaluated: 2025-07-17. Review status: criteria provided, single submitter. Criteria: Invitae Variant Classification Sherloc (09022015). Collection method: clinical testing. Allele origin: germline.
Comment: This sequence change replaces alanine, which is neutral and non-polar, with valine, which is neutral and non-polar, at codon 682 of the RET protein (p.Ala682Val). This variant is not present in population databases (gnomAD no frequency). This variant has not been reported in the literature in individuals affected with RET-related conditions. ClinVar contains an entry for this variant (Variation ID: 1402201). An algorithm developed to predict the effect of missense changes on protein structure and function (PolyPhen-2) suggests that this variant is likely to be tolerated. In summary, the available evidence is currently insufficient to determine the role of this variant in disease. Therefore, it has been classified as a Variant of Uncertain Significance.

GeneDx
Classification: Uncertain significance. Last evaluated: 2024-11-20. Review status: criteria provided, single submitter. Criteria: GeneDx Variant Classification Process June 2021. Collection method: clinical testing. Allele origin: germline. Affected: yes.
Comment: Not observed at significant frequency in large population cohorts (gnomAD); In silico analysis indicates that this missense variant does not alter protein structure/function; Has not been previously published as pathogenic or benign to our knowledge; This variant is associated with the following publications: (PMID: 14633923)